The following is an entry in ClinVar:

ClinVar aggregate classification (germline): Uncertain significance (1 of 4 stars; one submission).

Submission:

Women's Health and Genetics/Laboratory Corporation of America, LabCorp
Classification: Uncertain significance. Last evaluated: 2026-02-02. Review status: criteria provided, single submitter. Criteria: LabCorp Variant Classification Summary - May 2015. Collection method: clinical testing. Allele origin: germline.
Comment: Variant summary: HPS6 c.275T>A (p.Leu92Gln) results in a non-conservative amino acid change in the encoded protein sequence. Algorithms developed to predict the effect of missense changes on protein structure and function are either unavailable or do not agree on the potential impact of this missense change. The variant was absent in 99834 control chromosomes (gnomAD). c.275T>A has been observed in a homozygous individual affected with albinism (Lasseaux_2018). These data indicate that the variant may be associated with disease. To our knowledge, no experimental evidence demonstrating an impact on protein function has been reported. The following publication has been ascertained in the context of this evaluation (PMID: 29345414). No submitters have cited clinical-significance assessments for this variant to ClinVar. Based on the evidence outlined above, the variant was classified as VUS-possibly pathogenic.

Literature cited by the submitters: PubMed 29345414.

NM_024747.6(HPS6):c.275T>A (p.Leu92Gln)

Genes: HPS6 (HPS6 biogenesis of lysosomal organelles complex 2 subunit 3; plus strand), LOC130004578 (ATAC-STARR-seq lymphoblastoid silent region 2738; plus strand). Cytogenetic location: 10q24.32.
Variant type: single nucleotide variant.
Coding change: c.275T>A on transcript NM_024747.6 (MANE Select); coding-DNA position 275, T replaced by A.
Protein change: p.Leu92Gln; replaces leucine 92 with glutamine.
Molecular consequence: missense variant.
Genome position (GRCh38, 1-based): chr10:102,065,749, T>A. VCF-style: chr10-102065749-T-A. GRCh37 (hg19) VCF-style: chr10-103825506-T-A.
Other names: short protein forms L92Q.
Identifiers: ClinVar variation 4848133 (VCV004848133.1).
Genomic context (GRCh38, chr10:102,065,749, plus strand): 5'-CGGCCGGCCAGCCCTCCCCGCTGGACGCCTTCTTCCTGCCGTGGCCAGCGCGGCCGGCGC[T>A]GGTGCTGGTGTGGGAGAGTGGCCTGGCCGAGGTGTGGGGCGCGGGCGTGGGGCCTGGCTG-3'
Protein context (NP_079023.2, residues 82-102): FFLPWPARPA[Leu92Gln]VLVWESGLAE